The following is an entry in ClinVar:

NM_015271.5(TRIM2):c.738G>C (p.Lys246Asn)

Gene: TRIM2 (tripartite motif containing 2; plus strand). Cytogenetic location: 4q31.3.
Variant type: single nucleotide variant.
Coding change: c.738G>C on transcript NM_015271.5 (MANE Select); coding-DNA position 738, G replaced by C.
Protein change: p.Lys246Asn; replaces lysine 246 with asparagine.
Molecular consequence: missense variant. On other transcripts: intron variant (4).
Genome position (GRCh38, 1-based): chr4:153,294,437, G>C. VCF-style: chr4-153294437-G-C. GRCh37 (hg19) VCF-style: chr4-154215589-G-C.
Other names: c.657G>C, p.Lys219Asn (NM_001130067.2, NM_001351056.2, NM_001375512.1 and 5 more transcripts); c.711G>C, p.Lys237Asn (NM_001351054.2); c.708G>C, p.Lys236Asn (NM_001351055.2); c.282G>C, p.Lys94Asn (NM_001351057.2); c.831G>C, p.Lys277Asn (NM_001375488.1); c.828G>C, p.Lys276Asn (NM_001375489.1); c.399G>C, p.Lys133Asn (NM_001375522.1, NM_001375523.1, NM_001375525.1); c.729+9G>C (NM_001375490.1); and 3 more; short protein forms K133N, K219N, K236N, K237N, K246N, K276N, K277N, K94N.
Identifiers: ClinVar variation 3391348 (VCV003391348.1).
Genomic context (GRCh38, chr4:153,294,437, plus strand): 5'-CATCGTGGATGACATTCATTCCACCTTTGATGAGCTCCAGAAGACTTTAAATGTGCGCAA[G>C]AGTGTGCTGCTTATGGAATTGGAGGTCAACTATGGCCTCAAACACAAAGTAAGACCAGAA-3'
Protein context (NP_056086.2, residues 236-256): DELQKTLNVR[Lys246Asn]SVLLMELEVN

ClinVar aggregate classification (germline): Uncertain significance (1 of 4 stars; one submission).

Conditions:
Charcot-Marie-Tooth disease type 2R. Also called: CHARCOT-MARIE-TOOTH DISEASE, AXONAL, AUTOSOMAL RECESSIVE, TYPE 2R; Charcot-Marie-Tooth disease, axonal, type 2R; CHARCOT-MARIE-TOOTH NEUROPATHY, TYPE 2R. Identifiers: Orphanet 397968, MedGen C3809655, MONDO:0014208, OMIM 615490.

Submission:

Neuberg Centre For Genomic Medicine, NCGM
Classification: Uncertain significance for Charcot-Marie-Tooth disease type 2R. Last evaluated: 2023-07-22. Review status: criteria provided, single submitter. Criteria: ACMG Guidelines, 2015. Collection method: clinical testing. Allele origin: germline. Inheritance: Autosomal recessive inheritance. Affected: yes.
Comment: The missense c.738G>C p.Lys246Asn variant in TRIM2 gene has not been reported previously as a pathogenic variant nor as a benign variant, to our knowledge. The p.Lys246Asn variant is absent in gnomAD Exomes. This variant has not been submitted to the ClinVar database. Multiple lines of computational evidence Polyphen - Probably damaging, SIFT - Damaging and MutationTaster - Disease causing predict a damaging effect on protein structure and function for this variant. The reference amino acid at this position in TRIM2 is predicted as conserved by GERP++ and PhyloP across 100 vertebrates. The amino acid Lys at position 246 is changed to a Asn changing protein sequence and it might alter its composition and physico-chemical properties. For these reasons, this variant has been classified as a Variant of Uncertain Significance VUS.